The following is an entry in ClinVar:

NM_002485.5(NBN):c.1344G>T (p.Gln448His)

Gene: NBN (nibrin; minus strand). Cytogenetic location: 8q21.3.
Variant type: single nucleotide variant.
Coding change: c.1344G>T on transcript NM_002485.5 (MANE Select); coding-DNA position 1344, G replaced by T.
Protein change: p.Gln448His; replaces glutamine 448 with histidine.
Molecular consequence: missense variant.
Genome position (GRCh38, 1-based): chr8:89,955,336, C>A on the plus strand (G>T on the coding strand, the complement: NBN is on the minus strand). VCF-style: chr8-89955336-C-A. GRCh37 (hg19) VCF-style: chr8-90967564-C-A.
Other names: c.1098G>T, p.Gln366His (NM_001024688.3, NM_001440379.1, NM_001440380.1); short protein forms Q366H, Q448H.
Identifiers: ClinVar variation 5025390 (VCV005025390.1).

ClinVar aggregate classification (germline): Uncertain significance (1 of 4 stars; one submission).

Conditions:
Hereditary cancer-predisposing syndrome. Also called: Neoplastic Syndromes, Hereditary; Tumor predisposition; Hereditary neoplastic syndrome; Hereditary Cancer Syndrome. Identifiers: Orphanet 140162, MedGen C0027672, MeSH D009386, MONDO:0015356.

Submission:

Ambry Genetics
Classification: Uncertain significance for Hereditary cancer-predisposing syndrome. Last evaluated: 2026-07-06. Review status: criteria provided, single submitter. Criteria: Ambry Variant Classification Scheme 2023. Collection method: clinical testing. Allele origin: germline.
Comment: The p.Q448H variant (also known as c.1344G>T), located in coding exon 10 of the NBN gene, results from a G to T substitution at nucleotide position 1344. The glutamine at codon 448 is replaced by histidine, an amino acid with highly similar properties. This amino acid position is conserved. In addition, this alteration is predicted to be tolerated by in silico analysis. Based on the available evidence, the clinical significance of this variant remains unclear.